The following is an entry in ClinVar:

ClinVar aggregate classification (germline): Uncertain significance. Review status: reviewed by expert panel (3 of 4 stars). 2 submissions from 2 submitters: Uncertain significance (1). 1 of the submissions does not count toward it. Last evaluated 2025-08-01.

Conditions:
Malignant hyperthermia of anesthesia. Also called: Anesthesic-triggered malignant hyperthermia. Identifiers: Orphanet 423, MedGen C0024591, MONDO:0018493, HP:0034733.

Submissions (2):

ClinGen Malignant Hyperthermia Susceptibility Variant Curation Expert Panel, ClinGen
Classification: Uncertain significance for Malignant hyperthermia of anesthesia. Last evaluated: 2025-08-01. Review status: reviewed by expert panel. Criteria: ClinGen MHS ACMG Specifications V2. Collection method: curation. Allele origin: germline. Inheritance: Autosomal dominant inheritance.
Comment: This pathogenicity assessment is relevant only for malignant hyperthermia susceptibility (MHS) inherited in an autosomal dominant pattern. Variants in RYR1 can also cause other myopathies inherited in an autosomal dominant pattern or in an autosomal recessive pattern. Some of these disorders may predispose individuals to malignant hyperthermia. RYR1 variants may also contribute to a malignant hyperthermia reaction in combination with other genetic and non-genetic factors and the clinician needs to consider such factors in making management decisions. This sequence variant predicts a substitution of glycine with arginine at codon 4820 of the RYR1 protein, p.(Gly4820Arg). This variant was not present in a large population database (gnomAD) at the time this variant was interpreted. This variant has been reported in an individual with a personal or family history of an MH episode and a positive in vitro contracture test (IVCT) or caffeine halothane contracture test (CHCT) result (if the proband was unavailable for testing, a positive diagnostic test result in a mutation-positive relative was counted), PS4_Supporting (PMID: 23267001). No functional studies were identified for this variant. This variant resides in a region of RYR1 considered to be a hotspot for pathogenic variants that contribute to MHS, PM1_Sup (PMID: 21118704). A REVEL score of .835 supports neither a pathogenic nor a benign status for this variant. This variant has been classified as a Variant of Unknown Significance. Criteria implemented: PS4_Supporting, PM1_Supporting.

PreventionGenetics, part of Exact Sciences
Classification: Likely pathogenic. Last evaluated: 2015-08-11. Review status: criteria provided, single submitter. Criteria: ACMG Guidelines, 2015. Collection method: clinical testing. Allele origin: germline. Not counted in ClinVar's aggregate classification.

NM_000540.3(RYR1):c.14458G>A (p.Gly4820Arg)

Gene: RYR1 (ryanodine receptor 1; plus strand). Cytogenetic location: 19q13.2.
Variant type: single nucleotide variant.
Coding change: c.14458G>A on transcript NM_000540.3 (MANE Select); coding-DNA position 14458, G replaced by A.
Protein change: p.Gly4820Arg; replaces glycine 4820 with arginine.
Molecular consequence: missense variant.
Genome position (GRCh38, 1-based): chr19:38,580,075, G>A. VCF-style: chr19-38580075-G-A. GRCh37 (hg19) VCF-style: chr19-39070715-G-A.
Other names: c.14443G>A, p.Gly4815Arg (NM_001042723.2); c.14458G>A (NM_000540.2); short protein forms G4820R, G4815R.
Identifiers: ClinVar variation 590453 (VCV000590453.5), dbSNP rs193922873, ClinGen allele CA405687229.